The following is an entry in ClinVar:

ClinVar aggregate classification (germline): Uncertain significance (1 of 4 stars; one submission).

Conditions:
Inflammatory skin and bowel disease, neonatal, 1. Identifiers: Orphanet 294023, MedGen C3280501, MONDO:0013693, OMIM 614328.

Allele frequency attached by ClinVar (database versions not stated): ExAC 0.00001; gnomAD exomes 0.00001; TOPMed 0.00001; gnomAD 0.00002.
gnomAD v4.1: 13 of 1,613,928 alleles (0.00081%); highest among the groups gnomAD compares: Non-Finnish European, 0.001%; no homozygotes.

Submission:

Labcorp Genetics (formerly Invitae), Labcorp
Classification: Uncertain significance for Inflammatory skin and bowel disease, neonatal, 1. Last evaluated: 2024-12-16. Review status: criteria provided, single submitter. Criteria: Invitae Variant Classification Sherloc (09022015). Collection method: clinical testing. Allele origin: germline.
Comment: This sequence change replaces arginine, which is basic and polar, with cysteine, which is neutral and slightly polar, at codon 473 of the ADAM17 protein (p.Arg473Cys). This variant is present in population databases (rs750951308, gnomAD 0.004%). This variant has not been reported in the literature in individuals affected with ADAM17-related conditions. ClinVar contains an entry for this variant (Variation ID: 1056631). An algorithm developed to predict the effect of missense changes on protein structure and function (PolyPhen-2) suggests that this variant¬†is likely to be tolerated. In summary, the available evidence is currently insufficient to determine the role of this variant in disease. Therefore, it has been classified as a Variant of Uncertain Significance.

NM_003183.6(ADAM17):c.1417C>T (p.Arg473Cys)

Genes: ADAM17 (ADAM metallopeptidase domain 17; minus strand), IAH1 (isoamyl acetate hydrolyzing esterase 1 (putative); plus strand). Cytogenetic location: 2p25.1.
Variant type: single nucleotide variant.
Coding change: c.1417C>T on transcript NM_003183.6 (MANE Select); coding-DNA position 1417, C replaced by T.
Protein change: p.Arg473Cys; replaces arginine 473 with cysteine.
Molecular consequence: missense variant.
Genome position (GRCh38, 1-based): chr2:9,505,293, G>A on the plus strand (C>T on the coding strand, the complement: ADAM17 is on the minus strand). VCF-style: chr2-9505293-G-A. GRCh37 (hg19) VCF-style: chr2-9645422-G-A.
Other names: c.757C>T, p.Arg253Cys (NM_001382777.1); c.520C>T, p.Arg174Cys (NM_001382778.1); short protein forms R174C, R253C, R473C.
Identifiers: ClinVar variation 1056631 (VCV001056631.8), dbSNP rs750951308, ClinGen allele CA1523503.
Genomic context (GRCh38, chr2:9,505,293, plus strand): 5'-TGCCAGGATCACACTCTTCTCCTTCATCCACCCTCGAGTTCCCACAAACTTTATTGCTGC[G>A]TTCTTGAAAACACTCCTGGGCCTTACTTTCAATGGTCTTATAGATTGATTGTTTACTGCA-3'
Protein context (NP_003174.3, residues 463-483): ESKAQECFQE[Arg473Cys]SNKVCGNSRV